The following is an entry in ClinVar:

NM_004431.5(EPHA2):c.2162G>A (p.Arg721Gln)

Gene: EPHA2 (EPH receptor A2; minus strand). Cytogenetic location: 1p36.13.
Variant type: single nucleotide variant.
Coding change: c.2162G>A on transcript NM_004431.5 (MANE Select); coding-DNA position 2162, G replaced by A.
Protein change: p.Arg721Gln; replaces arginine 721 with glutamine.
Molecular consequence: missense variant.
Genome position (GRCh38, 1-based): chr1:16,132,227, C>T on the plus strand (G>A on the coding strand, the complement: EPHA2 is on the minus strand). VCF-style: chr1-16132227-C-T. GRCh37 (hg19) VCF-style: chr1-16458722-C-T.
Other names: c.2000G>A, p.Arg667Gln (NM_001329090.2); c.2162G>A (NM_004431.4); short protein forms R721Q, R667Q.
Identifiers: ClinVar variation 13262 (VCV000013262.13), dbSNP rs116506614, ClinGen allele CA122982.

ClinVar aggregate classification (germline): Conflicting classifications of pathogenicity. Review status: criteria provided, conflicting classifications (1 of 4 stars). 6 submissions from 6 submitters: Uncertain significance (3); Likely benign (1). 2 of the submissions do not count toward it. Last evaluated 2026-03-26.

Conditions:
EPHA2-related disorder. Also called: EPHA2-related condition.
Meniere disease. Also called: Ménière's disease. Identifiers: MedGen C0025281, MONDO:0007972, OMIM 156000.
CATARACT 6, AGE-RELATED CORTICAL. Identifiers: MedGen C4016349.
Cataract 6 multiple types. Also called: CATARACT, AGE-RELATED CORTICAL, 2; CATARACT 6, POSTERIOR POLAR; CATARACT 6, CONGENITAL TOTAL. Identifiers: Orphanet 91492, MedGen C1861825, MONDO:0007288, OMIM 116600.

Allele frequency attached by ClinVar (database versions not stated): 1000 Genomes Project 30x 0.00016; 1000 Genomes Project 0.00020; ExAC 0.00059; gnomAD exomes 0.00074; TOPMed 0.00085; gnomAD 0.00070 and 0.00073.
gnomAD v4.1: 1,935 of 1,614,162 alleles (0.12%); highest among the groups gnomAD compares: Non-Finnish European, 0.15%; no homozygotes.

Submissions (6):

PreventionGenetics, part of Exact Sciences
Classification: Uncertain significance for EPHA2-related condition. Last evaluated: 2026-03-26. Review status: criteria provided, single submitter. Criteria: ACMG Guidelines, 2015. Collection method: clinical testing. Allele origin: germline.
Comment: The EPHA2 c.2162G>A variant is predicted to result in the amino acid substitution p.Arg721Gln. This variant was previously reported in individuals affected by late-onset cataract in one family; however, several affected family members did not harbor this variant (Jun et al. 2009. PubMed ID: 19649315). In vitro analysis of the p.Arg721Gln variant demonstrated an increase in the basal activation of EPHA2 kinase and subsequently increased basal ERK1/2 activities. In mouse models harboring the p.Arg721Gln variant (referred to as Epha2-Q722 in the mouse), cataract formation was not observed; however, differences in gene expression in the lens was noted (Zhou et al. 2021. PubMed ID: 34685586). This variant is reported in 0.13% of alleles in individuals of Latino descent in gnomAD, which is likely too frequent to be associated with a highly penetrant cause of disease. In ClinVar, this variant has conflicting interpretations ranging from likely benign to uncertain by outside laboratories (Variation ID: 13262). Although we suspect that this variant may be benign, at this time, the clinical significance of this variant is uncertain due to the absence of conclusive functional and genetic evidence.

Labcorp Genetics (formerly Invitae), Labcorp
Classification: Uncertain significance for Cataract 6 multiple types. Last evaluated: 2025-07-13. Review status: criteria provided, single submitter. Criteria: Invitae Variant Classification Sherloc (09022015). Collection method: clinical testing. Allele origin: germline.
Comment: This sequence change replaces arginine, which is basic and polar, with glutamine, which is neutral and polar, at codon 721 of the EPHA2 protein (p.Arg721Gln). This variant is present in population databases (rs116506614, gnomAD 0.1%), and has an allele count higher than expected for a pathogenic variant. This missense change has been observed in individuals with cortical cataract (PMID: 19649315, 29267365). ClinVar contains an entry for this variant (Variation ID: 13262). Invitae Evidence Modeling of protein sequence and biophysical properties (such as structural, functional, and spatial information, amino acid conservation, physicochemical variation, residue mobility, and thermodynamic stability) indicates that this missense variant is not expected to disrupt EPHA2 protein function with a negative predictive value of 80%. Experimental studies have shown that this missense change affects EPHA2 function (PMID: 19649315). In summary, the available evidence is currently insufficient to determine the role of this variant in disease. Therefore, it has been classified as a Variant of Uncertain Significance.

Mendelics
Classification: Uncertain significance. Last evaluated: 2022-05-04. Review status: criteria provided, single submitter. Criteria: Mendelics Assertion Criteria 2019. Collection method: clinical testing. Allele origin: germline.

Illumina Laboratory Services, Illumina
Classification: Likely benign for Cataract 6 multiple types. Last evaluated: 2017-04-27. Review status: criteria provided, single submitter. Criteria: ICSL Variant Classification Criteria 13 December 2019. Collection method: clinical testing. Allele origin: germline.
Comment: This variant was observed as part of a predisposition screen in an ostensibly healthy population. A literature search was performed for the gene, cDNA change, and amino acid change (where applicable). Publications were found based on this search. The evidence from the literature, in combination with allele frequency data from public databases where available, was sufficient to determine this variant is unlikely to cause disease. Therefore, this variant is classified as likely benign.

Center for Computational Biology & Bioinformatics, University of California, San Diego
Classification: Uncertain significance for Meniere disease. Last evaluated: 2024-06-03. Review status: no assertion criteria provided. Collection method: research. Allele origin: germline. Affected: yes. Not counted in ClinVar's aggregate classification.

OMIM
Classification: Pathogenic for CATARACT 6, AGE-RELATED CORTICAL. Last evaluated: 2009-07-01. Review status: no assertion criteria provided. Collection method: literature only. Allele origin: germline. Not counted in ClinVar's aggregate classification.

Literature cited by the submitters: PubMed 19649315 (cited by 3 submitters); PubMed 29267365 (cited by Labcorp Genetics (formerly Invitae), Labcorp); PubMed 22829731 (cited by Illumina Laboratory Services, Illumina); PubMed 22645087 (cited by Illumina Laboratory Services, Illumina); PubMed 23447127 (cited by Illumina Laboratory Services, Illumina); PubMed 20625407 (cited by Illumina Laboratory Services, Illumina); PubMed 24705208 (cited by Illumina Laboratory Services, Illumina).